The following is an entry in ClinVar:

NM_000143.4(FH):c.1237-5C>G

Gene: FH (fumarate hydratase; minus strand). Cytogenetic location: 1q43.
Variant type: single nucleotide variant.
Coding change: c.1237-5C>G on transcript NM_000143.4 (MANE Select); 5 bases into the intron before coding-DNA position 1237, C replaced by G.
Molecular consequence: intron variant.
Genome position (GRCh38, 1-based): chr1:241,500,595, G>C on the plus strand (C>G on the coding strand, the complement: FH is on the minus strand). VCF-style: chr1-241500595-G-C. GRCh37 (hg19) VCF-style: chr1-241663895-G-C.
Identifiers: ClinVar variation 648807 (VCV000648807.7), dbSNP rs200926050, ClinGen allele CA915942097.

ClinVar aggregate classification (germline): Conflicting classifications of pathogenicity. Review status: criteria provided, conflicting classifications (1 of 4 stars). 2 submissions from 2 submitters: Uncertain significance (1); Likely benign (1). Last evaluated 2025-07-30.

Conditions:
Hereditary cancer-predisposing syndrome. Also called: Neoplastic Syndromes, Hereditary; Tumor predisposition; Hereditary Cancer Syndrome; Hereditary neoplastic syndrome. Identifiers: Orphanet 140162, MedGen C0027672, MeSH D009386, MONDO:0015356.

Submissions (2):

Labcorp Genetics (formerly Invitae), Labcorp
Classification: Likely benign. Last evaluated: 2025-07-30. Review status: criteria provided, single submitter. Criteria: Invitae Variant Classification Sherloc (09022015). Collection method: clinical testing. Allele origin: germline.

Ambry Genetics
Classification: Uncertain significance for Hereditary cancer-predisposing syndrome. Last evaluated: 2024-05-07. Review status: criteria provided, single submitter. Criteria: Ambry Variant Classification Scheme 2023. Collection method: clinical testing. Allele origin: germline.
Comment: The c.1237-5C>G intronic variant results from a C to G substitution 5 nucleotides upstream from coding exon 9 in the FH gene. This nucleotide position is well conserved on limited sequence alignment. In silico splice site analysis predicts that this alteration will not have any significant effect on splicing. Based on the available evidence, the clinical significance of this variant remains unclear.